The following is an entry in ClinVar:

NM_012330.4(KAT6B):c.4081_4087dup (p.Glu1363fs)

Gene: KAT6B (lysine acetyltransferase 6B; plus strand). Cytogenetic location: 10q22.2.
Variant type: Duplication.
Coding change: c.4081_4087dup on transcript NM_012330.4 (MANE Select); coding-DNA positions 4081 to 4087, 7 bases duplicated (GAGGAAG; older notation c.4081_4087dupGAGGAAG).
Protein change: p.Glu1363fs; shifts the reading frame from glutamic acid 1363.
Molecular consequence: frameshift variant.
Genome position (GRCh38, 1-based): chr10:75,028,905-75,028,911, GAGGAAG duplicated. VCF-style (leftmost placement, unchanged base first): chr10-75028904-A-AGAGGAAG. GRCh37 (hg19) VCF-style: chr10-76788662-A-AGAGGAAG.
Other names: c.3532_3538dup, p.Glu1180fs (NM_001256468.2, NM_001370138.1); c.3205_3211dup, p.Glu1071fs (NM_001256469.2, NM_001370139.1, NM_001370140.1 and 2 more transcripts); c.3043_3049dup, p.Glu1017fs (NM_001370132.1); c.2392_2398dup, p.Glu800fs (NM_001370133.1); c.1996_2002dup, p.Glu668fs (NM_001370134.1); c.1738_1744dup, p.Glu582fs (NM_001370135.1); c.4081_4087dup, p.Glu1363fs (NM_001370136.1, NM_001370137.1); c.3016_3022dup, p.Glu1008fs (NM_001370143.1, NM_001370144.1); short protein forms E1008fs, E1017fs, E1071fs, E1180fs, E1363fs, E582fs, E668fs, E800fs.
Identifiers: ClinVar variation 4813805 (VCV004813805.1).

ClinVar aggregate classification (germline): Pathogenic (1 of 4 stars; one submission).

Conditions:
Autosomal dominant KAT6B-related disorders.

Submission:

Variantyx, Inc.
Classification: Pathogenic for Autosomal dominant KAT6B-related disorders. Last evaluated: 2025-11-20. Review status: criteria provided, single submitter. Criteria: Variantyx Assertion Criteria 2022. Collection method: clinical testing. Allele origin: de novo. Inheritance: Autosomal dominant inheritance. Affected: yes.
Comment: This is a frameshift variant in the KAT6B gene (OMIM: 605880). Pathogenic variants in this gene have been associated with autosomal dominant KAT6B-related disorders. This variant has not been reported in individuals with KAT6B-related disorders in the databases available for review. This variant introduces a premature termination codon in exon 18 out of 18. It is expected to result in loss of function, which is a known disease mechanism for KAT6B in this disorder (PMID: 23236640) (PVS1). This variant is absent from control populations (PM2). Based on the current evidence, this variant is classified as pathogenic for autosomal dominant KAT6B-related disorders.

Literature cited by the submitters: PubMed 23236640.